The following is an entry in ClinVar:

ClinVar aggregate classification (germline): Uncertain significance (1 of 4 stars; one submission).

Conditions:
Inborn genetic diseases. Identifiers: MedGen C0950123, MeSH D030342.

gnomAD v4.1: 2 of 1,614,238 alleles (0.00012%); highest among the groups gnomAD compares: African/African-American, 0.0027%; no homozygotes.

Submission:

Ambry Genetics
Classification: Uncertain significance for Inborn genetic diseases. Last evaluated: 2025-09-25. Review status: criteria provided, single submitter. Criteria: Ambry Variant Classification Scheme 2023. Collection method: clinical testing. Allele origin: germline.
Comment: The c.10157C>G (p.S3386C) alteration is located in exon 66 (coding exon 65) of the TRRAP gene. This alteration results from a C to G substitution at nucleotide position 10157, causing the serine (S) at amino acid position 3386 to be replaced by a cysteine (C). Based on data from gnomAD, the G allele has an overall frequency of <0.001% (1/251494) total alleles studied. The highest observed frequency was 0.006% (1/16256) of African alleles. Based on insufficient or conflicting evidence, the clinical significance of this alteration remains unclear.

NM_001375524.1(TRRAP):c.10199C>G (p.Ser3400Cys)

Gene: TRRAP (transformation/transcription domain associated protein; plus strand). Cytogenetic location: 7q22.1.
Variant type: single nucleotide variant.
Coding change: c.10199C>G on transcript NM_001375524.1 (MANE Select); coding-DNA position 10199, C replaced by G.
Protein change: p.Ser3400Cys; replaces serine 3400 with cysteine.
Molecular consequence: missense variant.
Genome position (GRCh38, 1-based): chr7:98,994,738, C>G. VCF-style: chr7-98994738-C-G. GRCh37 (hg19) VCF-style: chr7-98592361-C-G.
Other names: c.10157C>G, p.Ser3386Cys (NM_001244580.2); c.10070C>G, p.Ser3357Cys (NM_003496.4); short protein forms S3386C, S3357C, S3400C.
Identifiers: ClinVar variation 4633779 (VCV004633779.1).
Genomic context (GRCh38, chr7:98,994,738, plus strand): 5'-ACACTCTCAATTTTGTGAAGAAGTTGGTGAGCACGTTTGGGGTGGGCCTGGAGAATGTGT[C>G]CAACGTCTCGACCATGTTCTCCAGCGCAGCCTCTGAGTCTCTGGCCCGGCGGGCGCAGGC-3'
Protein context (NP_001362453.1, residues 3390-3410): STFGVGLENV[Ser3400Cys]NVSTMFSSAA